The following is an entry in ClinVar:

ClinVar aggregate classification (germline): Uncertain significance. Review status: criteria provided, multiple submitters, no conflicts (2 of 4 stars). 2 submissions from 2 submitters: Uncertain significance (2). Last evaluated 2023-07-17.

Allele frequency attached by ClinVar (database versions not stated): gnomAD 0.00001; gnomAD exomes 0.00001; TOPMed 0.00001.
gnomAD v4.1: 14 of 1,614,068 alleles (0.00087%); highest among the groups gnomAD compares: Non-Finnish European, 0.00076%; no homozygotes.

Submissions (2):

Blueprint Genetics
Classification: Uncertain significance. Last evaluated: 2023-07-17. Review status: criteria provided, single submitter. Criteria: ACMG Guidelines, 2015. Collection method: clinical testing. Allele origin: germline.

Labcorp Genetics (formerly Invitae), Labcorp
Classification: Uncertain significance. Last evaluated: 2022-11-17. Review status: criteria provided, single submitter. Criteria: Invitae Variant Classification Sherloc (09022015). Collection method: clinical testing. Allele origin: germline.
Comment: In summary, the available evidence is currently insufficient to determine the role of this variant in disease. Therefore, it has been classified as a Variant of Uncertain Significance. Advanced modeling of protein sequence and biophysical properties (such as structural, functional, and spatial information, amino acid conservation, physicochemical variation, residue mobility, and thermodynamic stability) performed at Invitae indicates that this missense variant is not expected to disrupt POLR3A protein function. This variant has not been reported in the literature in individuals affected with POLR3A-related conditions. This variant is present in population databases (no rsID available, gnomAD 0.0009%). This sequence change replaces alanine, which is neutral and non-polar, with serine, which is neutral and polar, at codon 32 of the POLR3A protein (p.Ala32Ser).

NM_007055.4(POLR3A):c.94G>T (p.Ala32Ser)

Gene: POLR3A (RNA polymerase III subunit A; minus strand). Cytogenetic location: 10q22.3.
Variant type: single nucleotide variant.
Coding change: c.94G>T on transcript NM_007055.4 (MANE Select); coding-DNA position 94, G replaced by T.
Protein change: p.Ala32Ser; replaces alanine 32 with serine.
Molecular consequence: missense variant.
Genome position (GRCh38, 1-based): chr10:78,026,180, C>A on the plus strand (G>T on the coding strand, the complement: POLR3A is on the minus strand). VCF-style: chr10-78026180-C-A. GRCh37 (hg19) VCF-style: chr10-79785938-C-A.
Other names: short protein forms A32S.
Identifiers: ClinVar variation 1969283 (VCV001969283.4), dbSNP rs1317440090, ClinGen allele CA377347626.
Genomic context (GRCh38, chr10:78,026,180, plus strand): 5'-GCAAGGGGGCATGTTGGTTGTCCTGGCTGTACAGGTTCTTACTCACAACTTGGATGTGCG[C>A]CTGCTGGCGCATCTCCTCAGGTGACTTCATTCCAAAACAGATGTGGCTTCTGGAATGGGA-3'
Protein context (NP_008986.2, residues 22-42): MKSPEEMRQQ[Ala32Ser]HIQVVSKNLY